The following is an entry in ClinVar:

NM_024063.3(AFG2B):c.2147_2148del (p.Gln716fs)

Gene: AFG2B (AAA ATPase AFG2B; plus strand). Cytogenetic location: 15q21.1.
Variant type: Deletion.
Coding change: c.2147_2148del on transcript NM_024063.3 (MANE Select); coding-DNA positions 2147 to 2148, 2 bases deleted (AA; older notation c.2147_2148delAA).
Protein change: p.Gln716fs; shifts the reading frame from glutamine 716.
Molecular consequence: frameshift variant. On other transcripts: non-coding transcript variant (5).
Genome position (GRCh38, 1-based): chr15:45,421,095-45,421,096, AA deleted. VCF-style (leftmost placement, unchanged base first): chr15-45421094-CAA-C. GRCh37 (hg19) VCF-style: chr15-45713292-CAA-C.
Other names: c.2147_2148delAA (NM_024063.3, NM_024063.2); short protein forms Q716fs.
Identifiers: ClinVar variation 1321878 (VCV001321878.4), dbSNP rs763343580, ClinGen allele CA7543614.
Genomic context (GRCh38, chr15:45,421,094, plus strand): 5'-TCTTAATAGGCTGCTTTGCTGGCTCTGCAAGAAAATGGACTAGACGCAACTACAGTGAAA[CAA>C]GAGCACTTTCTAAAATCACTTAAGACTGTAAAACCGTCGTTAAGTTGCAAGGACTTGGCT-3'

ClinVar aggregate classification (germline): Pathogenic. Review status: criteria provided, single submitter (1 of 4 stars). 2 submissions from 2 submitters: Pathogenic (1). 1 of the submissions does not count toward it. Last evaluated 2026-05-13.

Conditions:
AFG2B-related disorder. Also called: AFG2B-related condition.
Hearing loss, autosomal recessive 119. Also called: DEAFNESS, AUTOSOMAL RECESSIVE 119. Identifiers: MedGen C5562023, MONDO:0030480, OMIM 619615.

Allele frequency attached by ClinVar (database versions not stated): gnomAD exomes 0.00003 and 0.00006; TOPMed 0.00003; ExAC 0.00006; gnomAD 0.00006.

Submissions (2):

PreventionGenetics, part of Exact Sciences
Classification: Pathogenic for AFG2B-related condition. Last evaluated: 2026-05-13. Review status: criteria provided, single submitter. Criteria: ACMG Guidelines, 2015. Collection method: clinical testing. Allele origin: germline.
Comment: The AFG2B c.2147_2148delAA variant is predicted to result in a frameshift and premature protein termination (p.Gln716Argfs*8). This variant was reported in trans with p.Ile466Met in three individuals from two Ashkenazi Jewish families with bilateral, moderate to severe, non-syndromic, sensorineural hearing loss (Table S3, Richard et al. 2021. PubMed ID: 34626583). The variants segregated with disease in affected individuals (both unaffected parents were confirmed carriers). This variant is reported in 0.039% of alleles in individuals of Ashkenazi Jewish descent in gnomAD. Frameshift variants in AFG2B are expected to be pathogenic. This variant is interpreted as pathogenic.

OMIM
Classification: Pathogenic for DEAFNESS, AUTOSOMAL RECESSIVE 119. Last evaluated: 2023-04-19. Review status: no assertion criteria provided. Collection method: literature only. Allele origin: germline. Not counted in ClinVar's aggregate classification.

Literature cited by the submitters: PubMed 34626583 (cited by OMIM).